The following is an entry in ClinVar:

ClinVar aggregate classification (germline): Likely benign (1 of 4 stars; one submission).

Allele frequency attached by ClinVar (database versions not stated): 1000 Genomes Project 30x 0.00297; 1000 Genomes Project 0.00319; ExAC 0.00446; gnomAD 0.00462; TOPMed 0.00472; gnomAD exomes 0.00622; ESP Exome Variant Server 0.00630.
gnomAD v4.1: 9,917 of 1,614,046 alleles (0.61%); highest among the groups gnomAD compares: Middle Eastern, 0.81%; 44 homozygotes.

Submission:

CeGaT Center for Human Genetics Tuebingen
Classification: Likely benign. Last evaluated: 2023-03-01. Review status: criteria provided, single submitter. Criteria: CeGaT Center For Human Genetics Tuebingen Variant Classification Criteria Version 2. Collection method: clinical testing. Allele origin: germline. Affected: yes. Observed: 1 variant allele.
Comment: GABRP: BS2

NM_014211.3(GABRP):c.1046T>C (p.Val349Ala)

Gene: GABRP (gamma-aminobutyric acid type A receptor subunit pi; plus strand). Cytogenetic location: 5q35.1.
Variant type: single nucleotide variant.
Coding change: c.1046T>C on transcript NM_014211.3 (MANE Select); coding-DNA position 1046, T replaced by C.
Protein change: p.Val349Ala; replaces valine 349 with alanine.
Molecular consequence: missense variant. On other transcripts: synonymous variant (1).
Genome position (GRCh38, 1-based): chr5:170,811,981, T>C. VCF-style: chr5-170811981-T-C. GRCh37 (hg19) VCF-style: chr5-170238985-T-C.
Other names: c.858T>C, p.Ser286= (NM_001291985.2); short protein forms V349A.
Identifiers: ClinVar variation 2656070 (VCV002656070.24), dbSNP rs61733087, ClinGen allele CA3556898.